The following is an entry in ClinVar:

ClinVar aggregate classification (germline): Likely benign. Review status: criteria provided, multiple submitters, no conflicts (2 of 4 stars). 3 submissions from 3 submitters: Likely benign (3). Last evaluated 2024-12-20.

Conditions:
Loeys-Dietz syndrome 2 (LDS2). Also called: TGFBR2-Related Loeys-Dietz Syndrome; AORTIC ANEURYSM, FAMILIAL THORACIC 3; MARFAN SYNDROME, TYPE II; Marfan syndrome, type 2 (formerly); Marfan Syndrome type 2; Marfan like connective tissue disorder. Identifiers: Orphanet 284973, Orphanet 558, MedGen C2674574, MONDO:0012427, OMIM 610168.

Allele frequency attached by ClinVar (database versions not stated): gnomAD 0.00004; TOPMed 0.00010; ESP Exome Variant Server 0.00015.
gnomAD v4.1: 107 of 1,614,098 alleles (0.0066%); highest among the groups gnomAD compares: Non-Finnish European, 0.0085%; no homozygotes.

Submissions (3):

Labcorp Genetics (formerly Invitae), Labcorp
Classification: Likely benign for Loeys-Dietz syndrome 2. Last evaluated: 2024-12-20. Review status: criteria provided, single submitter. Criteria: Invitae Variant Classification Sherloc (09022015). Collection method: clinical testing. Allele origin: germline.

GeneDx
Classification: Likely benign. Last evaluated: 2017-03-15. Review status: criteria provided, single submitter. Criteria: GeneDx Variant Classification (06012015). Collection method: clinical testing. Allele origin: germline. Affected: yes.
Comment: This variant is considered likely benign or benign based on one or more of the following criteria: it is a conservative change, it occurs at a poorly conserved position in the protein, it is predicted to be benign by multiple in silico algorithms, and/or has population frequency not consistent with disease.

Ambry Genetics
Classification: Likely benign. Last evaluated: 2017-03-13. Review status: criteria provided, single submitter. Criteria: Ambry Variant Classification Scheme 2023. Collection method: clinical testing. Allele origin: germline.

NM_001032283.3(TMPO):c.565+1958G>T

Gene: TMPO (thymopoietin; plus strand). Cytogenetic location: 12q23.1.
Variant type: single nucleotide variant.
Coding change: c.565+1958G>T on transcript NM_001032283.3 (MANE Select); 1958 bases into the intron after coding-DNA position 565, G replaced by T.
Molecular consequence: intron variant. On other transcripts: synonymous variant (1).
Genome position (GRCh38, 1-based): chr12:98,533,796, G>T. VCF-style: chr12-98533796-G-T. GRCh37 (hg19) VCF-style: chr12-98927574-G-T.
Other names: c.1539G>T, p.Leu513= (NM_003276.2); c.565+1958G>T (NM_001307975.2, NM_001032284.3).
Identifiers: ClinVar variation 469128 (VCV000469128.14), dbSNP rs143845319, ClinGen allele CA6732429.